The following is an entry in ClinVar:

ClinVar aggregate classification (germline): Uncertain significance (1 of 4 stars; one submission).

gnomAD v4.1: 3 of 1,614,186 alleles (0.00019%); highest among the groups gnomAD compares: African/African-American, 0.0027%; no homozygotes.

Submission:

Labcorp Genetics (formerly Invitae), Labcorp
Classification: Uncertain significance. Last evaluated: 2025-10-27. Review status: criteria provided, single submitter. Criteria: Invitae Variant Classification Sherloc (09022015). Collection method: clinical testing. Allele origin: germline.
Comment: This sequence change replaces aspartic acid, which is acidic and polar, with glycine, which is neutral and non-polar, at codon 68 of the GATAD2B protein (p.Asp68Gly). This variant is not present in population databases (gnomAD no frequency). This variant has not been reported in the literature in individuals affected with GATAD2B-related conditions. An algorithm developed to predict the effect of missense changes on protein structure and function (PolyPhen-2) suggests that this variant is likely to be tolerated. In summary, the available evidence is currently insufficient to determine the role of this variant in disease. Therefore, it has been classified as a Variant of Uncertain Significance.

NM_020699.4(GATAD2B):c.203A>G (p.Asp68Gly)

Gene: GATAD2B (GATA zinc finger domain containing 2B; minus strand). Cytogenetic location: 1q21.3.
Variant type: single nucleotide variant.
Coding change: c.203A>G on transcript NM_020699.4 (MANE Select); coding-DNA position 203, A replaced by G.
Protein change: p.Asp68Gly; replaces aspartic acid 68 with glycine.
Molecular consequence: missense variant.
Genome position (GRCh38, 1-based): chr1:153,828,145, T>C on the plus strand (A>G on the coding strand, the complement: GATAD2B is on the minus strand). VCF-style: chr1-153828145-T-C. GRCh37 (hg19) VCF-style: chr1-153800621-T-C.
Other names: short protein forms D68G.
Identifiers: ClinVar variation 4724311 (VCV004724311.1).